The following is an entry in ClinVar:

NC_000004.11:g.(?_5749725)_(5755670_?)del

Gene: EVC (EvC ciliary complex subunit 1; plus strand). Cytogenetic location: 4p16.2.
Variant type: Deletion.
Identifiers: ClinVar variation 1459308 (VCV001459308.5).

ClinVar aggregate classification (germline): Pathogenic (1 of 4 stars; one submission).

Conditions:
Ellis-van Creveld syndrome (EVC). Also called: EVC-Related Ellis-van Creveld Syndrome; EVC2-Related Ellis-van Creveld Syndrome; MESOECTODERMAL DYSPLASIA; Chondroectodermal dysplasia. Identifiers: Orphanet 289, MedGen C0013903, MONDO:0009162, OMIM 225500.
Curry-Hall syndrome (WAD). Also called: WEYERS ACRODENTAL DYSOSTOSIS. Identifiers: Orphanet 952, MedGen C0457013, MONDO:0008673, OMIM 193530.

Submission:

Labcorp Genetics (formerly Invitae), Labcorp
Classification: Pathogenic for Curry-Hall syndrome; Ellis-van Creveld syndrome. Last evaluated: 2021-06-29. Review status: criteria provided, single submitter. Criteria: Invitae Variant Classification Sherloc (09022015). Collection method: clinical testing. Allele origin: germline.
Comment: This variant is a gross deletion of the genomic region encompassing exon(s) 8-10 of the EVC gene. This variant would be expected to be in-frame, preserving the integrity of the reading frame. This variant has not been reported in the literature in individuals affected with EVC-related conditions. This variant disrupts a region of the EVC protein in which other variant(s) (deletion of exons 9-10) have been determined to be pathogenic (Invitae). This suggests that this is a clinically significant region of the protein, and that variants that disrupt it are likely to be disease-causing. For these reasons, this variant has been classified as Pathogenic.